The following is an entry in ClinVar:

ClinVar aggregate classification (germline): Uncertain significance (1 of 4 stars; one submission).

Submission:

Labcorp Genetics (formerly Invitae), Labcorp
Classification: Uncertain significance. Last evaluated: 2024-06-19. Review status: criteria provided, single submitter. Criteria: Invitae Variant Classification Sherloc (09022015). Collection method: clinical testing. Allele origin: germline.
Comment: This variant, c.718_720del, results in the deletion of 1 amino acid(s) of the CTU2 protein (p.Glu240del), but otherwise preserves the integrity of the reading frame. This variant is not present in population databases (gnomAD no frequency). This variant has not been reported in the literature in individuals affected with CTU2-related conditions. Experimental studies and prediction algorithms are not available or were not evaluated, and the functional significance of this variant is currently unknown. In summary, the available evidence is currently insufficient to determine the role of this variant in disease. Therefore, it has been classified as a Variant of Uncertain Significance.

NM_001012759.3(CTU2):c.715GAG[1] (p.Glu240del)

Gene: CTU2 (cytosolic thiouridylase subunit 2; plus strand). Cytogenetic location: 16q24.3.
Variant type: Microsatellite.
Coding change: c.715GAG[1] on transcript NM_001012759.3 (MANE Select); one copy of the 3-base unit GAG starting at c.715; the reference has two copies in a row; one copy, 3 bases deleted.
Protein change: p.Glu240del; deletes glutamic acid 240.
Genome position (GRCh38, 1-based): chr16:88,712,886-88,712,888, GAG deleted; deleting any 3 consecutive bases within chr16:88,712,881-88,712,888 gives the same sequence; the position shown is the placement nearest the transcript's 3' end. VCF-style (leftmost placement, unchanged base first): chr16-88712880-AAGG-A. GRCh37 (hg19) VCF-style: chr16-88779288-AAGG-A.
Other names: c.715GAG[1], p.Glu240del (NM_001012762.3); c.928GAG[1], p.Glu311del (NM_001318507.2); c.454GAG[1], p.Glu153del (NM_001318513.2); short protein forms E240del, E311del, E153del.
Identifiers: ClinVar variation 3694468 (VCV003694468.2).